The following is an entry in ClinVar:

ClinVar aggregate classification (germline): Likely pathogenic (1 of 4 stars; one submission).

Submission:

Labcorp Genetics (formerly Invitae), Labcorp
Classification: Likely pathogenic. Last evaluated: 2022-05-09. Review status: criteria provided, single submitter. Criteria: Invitae Variant Classification Sherloc (09022015). Collection method: clinical testing. Allele origin: germline.
Comment: This variant results in the deletion of exons 6-10 and part of exon 11 (c.584-1100_1248delins22) of the LAMA3 gene. It is expected to disrupt RNA splicing. Variants that disrupt the donor or acceptor splice site typically lead to a loss of protein function (PMID: 16199547), and loss-of-function variants in LAMA3 are known to be pathogenic (PMID: 10366601, 11810295, 12915477, 16473856, 17362460, 22434185, 23869449, 27827380, 28087116). This variant has not been reported in the literature in individuals affected with LAMA3-related conditions. In summary, the currently available evidence indicates that the variant is pathogenic, but additional data are needed to prove that conclusively. Therefore, this variant has been classified as Likely Pathogenic.

Literature cited by the submitters: PubMed 16199547; PubMed 10366601; PubMed 11810295; PubMed 12915477; PubMed 16473856; PubMed 17362460; PubMed 22434185; PubMed 23869449; PubMed 27827380; PubMed 28087116.

NC_000018.9:g.(?_21473162)_(21481161_?)del

Gene: LAMA3 (laminin subunit alpha 3; plus strand). Cytogenetic location: 18q11.2.
Variant type: Deletion.
Identifiers: ClinVar variation 2422609 (VCV002422609.4).